The following is an entry in ClinVar:

ClinVar aggregate classification (germline): Uncertain significance (1 of 4 stars; one submission).

Allele frequency attached by ClinVar (database versions not stated): gnomAD exomes 0.00001 and 0.00002; TOPMed below 0.00001; ExAC 0.00001.
gnomAD v4.1: 12 of 1,613,840 alleles (0.00074%); highest among the groups gnomAD compares: Non-Finnish European, 0.001%; no homozygotes.

Submission:

GeneDx
Classification: Uncertain significance. Last evaluated: 2019-12-03. Review status: criteria provided, single submitter. Criteria: GeneDx Variant Classification Process June 2021. Collection method: clinical testing. Allele origin: germline. Affected: yes.
Comment: Has not been previously published as pathogenic or benign to our knowledge; Not observed at a significant frequency in large population cohorts (Lek et al., 2016); In silico analysis, which includes protein predictors and evolutionary conservation, supports a deleterious effect

NM_182961.4(SYNE1):c.24725A>G (p.Asp8242Gly)

Gene: SYNE1 (spectrin repeat containing nuclear envelope protein 1; minus strand). Cytogenetic location: 6q25.2.
Variant type: single nucleotide variant.
Coding change: c.24725A>G on transcript NM_182961.4 (MANE Select); coding-DNA position 24725, A replaced by G.
Protein change: p.Asp8242Gly; replaces aspartic acid 8242 with glycine.
Molecular consequence: missense variant.
Genome position (GRCh38, 1-based): chr6:152,148,296, T>C on the plus strand (A>G on the coding strand, the complement: SYNE1 is on the minus strand). VCF-style: chr6-152148296-T-C. GRCh37 (hg19) VCF-style: chr6-152469431-T-C.
Other names: c.1331A>G, p.Asp444Gly (NM_001347701.2); c.1190A>G, p.Asp397Gly (NM_001347702.2); c.24512A>G, p.Asp8171Gly (NM_033071.5); short protein forms D397G, D444G, D8171G, D8242G.
Identifiers: ClinVar variation 1311029 (VCV001311029.2), dbSNP rs764282910, ClinGen allele CA4053089.